The following is an entry in ClinVar:

ClinVar aggregate classification (germline): Uncertain significance (1 of 4 stars; one submission).

Conditions:
Cardiovascular phenotype. Identifiers: MedGen CN230736.
Hereditary cancer-predisposing syndrome. Also called: Neoplastic Syndromes, Hereditary; Tumor predisposition; Hereditary neoplastic syndrome; Hereditary Cancer Syndrome. Identifiers: Orphanet 140162, MedGen C0027672, MeSH D009386, MONDO:0015356.

Submission:

Ambry Genetics
Classification: Uncertain significance for Cardiovascular phenotype; Hereditary cancer-predisposing syndrome. Last evaluated: 2026-07-15. Review status: criteria provided, single submitter. Criteria: Ambry Variant Classification Scheme 2023. Collection method: clinical testing. Allele origin: germline.
Comment: The p.L806S variant (also known as c.2417T>C), located in coding exon 21 of the LZTR1 gene, results from a T to C substitution at nucleotide position 2417. The leucine at codon 806 is replaced by serine, an amino acid with dissimilar properties. This amino acid position is highly conserved in available vertebrate species. In addition, the in silico prediction for this alteration is inconclusive. Based on the available evidence, the clinical significance of this variant remains unclear.

NM_006767.4(LZTR1):c.2417T>C (p.Leu806Ser)

Gene: LZTR1 (leucine zipper like post translational regulator 1; plus strand). Cytogenetic location: 22q11.21.
Variant type: single nucleotide variant.
Coding change: c.2417T>C on transcript NM_006767.4 (MANE Select); coding-DNA position 2417, T replaced by C.
Protein change: p.Leu806Ser; replaces leucine 806 with serine.
Molecular consequence: missense variant.
Genome position (GRCh38, 1-based): chr22:20,997,242, T>C. VCF-style: chr22-20997242-T-C. GRCh37 (hg19) VCF-style: chr22-21351531-T-C.
Other names: short protein forms L806S.
Identifiers: ClinVar variation 5023765 (VCV005023765.1).